The following is an entry in ClinVar:

NM_004304.5(ALK):c.80A>C (p.Gln27Pro)

Gene: ALK (ALK receptor tyrosine kinase; minus strand). Cytogenetic location: 2p23.1.
Variant type: single nucleotide variant.
Coding change: c.80A>C on transcript NM_004304.5 (MANE Select); coding-DNA position 80, A replaced by C.
Protein change: p.Gln27Pro; replaces glutamine 27 with proline.
Molecular consequence: missense variant.
Genome position (GRCh38, 1-based): chr2:29,920,580, T>G on the plus strand (A>C on the coding strand, the complement: ALK is on the minus strand). VCF-style: chr2-29920580-T-G. GRCh37 (hg19) VCF-style: chr2-30143446-T-G.
Other names: short protein forms Q27P.
Identifiers: ClinVar variation 2586714 (VCV002586714.2), dbSNP rs752501243, ClinGen allele CA346590730.
Genomic context (GRCh38, chr2:29,920,580, plus strand): 5'-GAGTAGCTGAGTGGCTCCCGGGGCTGCAGCGGCGGCCCCGCAGCTGGGGAGCCCGCGCGC[T>G]GGCCGGTCCCCATCCCGGAGCCCACAGCTGCCGTGGAAAGCAGCAGCGGCAGGAGCCACA-3'
Protein context (NP_004295.2, residues 17-37): AAVGSGMGTG[Gln27Pro]RAGSPAAGPP

ClinVar aggregate classification (germline): Uncertain significance (1 of 4 stars; one submission).

Conditions:
Hereditary cancer-predisposing syndrome. Also called: Hereditary neoplastic syndrome; Tumor predisposition; Hereditary Cancer Syndrome; Neoplastic Syndromes, Hereditary. Identifiers: Orphanet 140162, MedGen C0027672, MeSH D009386, MONDO:0015356.

Submission:

Ambry Genetics
Classification: Uncertain significance for Hereditary cancer-predisposing syndrome. Last evaluated: 2023-09-07. Review status: criteria provided, single submitter. Criteria: Ambry Variant Classification Scheme 2023. Collection method: clinical testing. Allele origin: germline.
Comment: The p.Q27P variant (also known as c.80A>C), located in coding exon 1 of the ALK gene, results from an A to C substitution at nucleotide position 80. The glutamine at codon 27 is replaced by proline, an amino acid with similar properties. This amino acid position is conserved. In addition, this alteration is predicted to be tolerated by in silico analysis. Since supporting evidence is limited at this time, the clinical significance of this alteration remains unclear.